The following is an entry in ClinVar:

NM_000271.5(NPC1):c.3508C>T (p.His1170Tyr)

Gene: NPC1 (NPC intracellular cholesterol transporter 1; minus strand). Cytogenetic location: 18q11.2.
Variant type: single nucleotide variant.
Coding change: c.3508C>T on transcript NM_000271.5 (MANE Select); coding-DNA position 3508, C replaced by T.
Protein change: p.His1170Tyr; replaces histidine 1170 with tyrosine.
Molecular consequence: missense variant.
Genome position (GRCh38, 1-based): chr18:23,534,529, G>A on the plus strand (C>T on the coding strand, the complement: NPC1 is on the minus strand). VCF-style: chr18-23534529-G-A. GRCh37 (hg19) VCF-style: chr18-21114493-G-A.
Other names: short protein forms H1170Y.
Identifiers: ClinVar variation 3241987 (VCV003241987.1), dbSNP rs2511184070.

ClinVar aggregate classification (germline): Uncertain significance (1 of 4 stars; one submission).

Conditions:
Niemann-Pick disease, type C1. Also called: NIEMANN-PICK DISEASE, VARIANT TYPE C1; NEUROVISCERAL STORAGE DISEASE WITH VERTICAL SUPRANUCLEAR OPHTHALMOPLEGIA; NIEMANN-PICK DISEASE WITH CHOLESTEROL ESTERIFICATION BLOCK; NIEMANN-PICK DISEASE WITHOUT SPHINGOMYELINASE DEFICIENCY; NIEMANN-PICK DISEASE, CHRONIC NEURONOPATHIC FORM. Identifiers: Orphanet 646, MedGen C3179455, MONDO:0009757, OMIM 257220.

Submission:

Neuberg Centre For Genomic Medicine, NCGM
Classification: Uncertain significance for Niemann-Pick disease, type C1. Review status: criteria provided, single submitter. Criteria: ACMG Guidelines, 2015. Collection method: clinical testing. Allele origin: germline. Inheritance: Autosomal recessive inheritance. Affected: yes.
Comment: The observed missense c.3508C>T(p.His1170Tyr) variant in NPC1 gene has not been reported previously as a pathogenic variant nor as a benign variant, to our knowledge. The p.His1170Tyr variant is absent in gnomAD Exomes. This variant has not been submitted to the ClinVar database. The amino acid change p.His1170Tyr in NPC1 is predicted as conserved by GERP++ and PhyloP across 100 vertebrates. The amino acid His at position 1170 is changed to a Tyr changing protein sequence and it might alter its composition and physico-chemical properties. For these reasons, this variant has been classified as VAriant of Uncertain Significance (VUS).